The following is an entry in ClinVar:

ClinVar aggregate classification (germline): Uncertain significance (1 of 4 stars; one submission).

Submission:

Labcorp Genetics (formerly Invitae), Labcorp
Classification: Uncertain significance. Last evaluated: 2020-11-28. Review status: criteria provided, single submitter. Criteria: Invitae Variant Classification Sherloc (09022015). Collection method: clinical testing. Allele origin: germline.
Comment: This sequence change replaces alanine with threonine at codon 602 of the TTLL5 protein (p.Ala602Thr). The alanine residue is weakly conserved and there is a small physicochemical difference between alanine and threonine. This variant is not present in population databases (ExAC no frequency). This variant has not been reported in the literature in individuals with TTLL5-related conditions. Algorithms developed to predict the effect of missense changes on protein structure and function (SIFT, PolyPhen-2, Align-GVGD) all suggest that this variant is likely to be tolerated, but these predictions have not been confirmed by published functional studies and their clinical significance is uncertain. In summary, the available evidence is currently insufficient to determine the role of this variant in disease. Therefore, it has been classified as a Variant of Uncertain Significance.

NM_015072.5(TTLL5):c.1804G>A (p.Ala602Thr)

Gene: TTLL5 (tubulin tyrosine ligase like 5; plus strand). Cytogenetic location: 14q24.3.
Variant type: single nucleotide variant.
Coding change: c.1804G>A on transcript NM_015072.5 (MANE Select); coding-DNA position 1804, G replaced by A.
Protein change: p.Ala602Thr; replaces alanine 602 with threonine.
Molecular consequence: missense variant.
Genome position (GRCh38, 1-based): chr14:75,766,157, G>A. VCF-style: chr14-75766157-G-A. GRCh37 (hg19) VCF-style: chr14-76232500-G-A.
Other names: short protein forms A602T.
Identifiers: ClinVar variation 1489598 (VCV001489598.8), dbSNP rs752254666, ClinGen allele CA390467086.
Genomic context (GRCh38, chr14:75,766,157, plus strand): 5'-GAGACAGAGAGTGAAGAGGAGGAAGAAGTCGCATTAGATAATGAAGATGAAGAACAGGAG[G>A]CTTCCCAGGAGGAGTCTGCAGGATTTCTTAGAGAAAATCAAGCCAAATATACACCCTCAT-3'
Protein context (NP_055887.3, residues 592-612): ALDNEDEEQE[Ala602Thr]SQEESAGFLR